The following is an entry in ClinVar:

ClinVar aggregate classification (germline): Uncertain significance (1 of 4 stars; one submission).

Conditions:
Congenital myopathy with internal nuclei and atypical cores. Also called: Myopathy, centronuclear, 4. Identifiers: Orphanet 319160, MedGen C4707232, MONDO:0013890, OMIM 614807.

Submission:

Labcorp Genetics (formerly Invitae), Labcorp
Classification: Uncertain significance for Congenital myopathy with internal nuclei and atypical cores. Last evaluated: 2025-09-18. Review status: criteria provided, single submitter. Criteria: Invitae Variant Classification Sherloc (09022015). Collection method: clinical testing. Allele origin: germline.
Comment: This sequence change replaces methionine, which is neutral and non-polar, with isoleucine, which is neutral and non-polar, at codon 152 of the CCDC78 protein (p.Met152Ile). This variant is not present in population databases (gnomAD no frequency). This variant has not been reported in the literature in individuals affected with CCDC78-related conditions. Invitae Evidence Modeling of protein sequence and biophysical properties (such as structural, functional, and spatial information, amino acid conservation, physicochemical variation, residue mobility, and thermodynamic stability) indicates that this missense variant is not expected to disrupt CCDC78 protein function with a negative predictive value of 80%. Algorithms developed to predict the effect of sequence changes on RNA splicing suggest that this variant may disrupt the consensus splice site. In summary, the available evidence is currently insufficient to determine the role of this variant in disease. Therefore, it has been classified as a Variant of Uncertain Significance.

NM_001378030.1(CCDC78):c.456G>A (p.Met152Ile)

Gene: CCDC78 (coiled-coil domain containing 78; minus strand). Cytogenetic location: 16p13.3.
Variant type: single nucleotide variant.
Coding change: c.456G>A on transcript NM_001378030.1 (MANE Select); coding-DNA position 456, G replaced by A.
Protein change: p.Met152Ile; replaces methionine 152 with isoleucine.
Molecular consequence: missense variant. On other transcripts: initiator codon variant (1), non-coding transcript variant (5).
Genome position (GRCh38, 1-based): chr16:725,273, C>T on the plus strand (G>A on the coding strand, the complement: CCDC78 is on the minus strand). VCF-style: chr16-725273-C-T. GRCh37 (hg19) VCF-style: chr16-775273-C-T.
Other names: c.456G>A, p.Met152Ile (NM_001031737.3, NM_001378031.1); c.3G>A, p.Met1Ile (NM_001378033.1); short protein forms M152I, M1I.
Identifiers: ClinVar variation 4799202 (VCV004799202.1).
Genomic context (GRCh38, chr16:725,273, plus strand): 5'-TGAGCTAGGTGGCTGCACACTCACGCCGCTCCCCAGCCTGTGCTGCTCATTCTCGGGGTT[C>T]ATGGTGTTCTTGGGCTGCACCTGAATGGAAGGGAGGGCAGGGAAAGCTAAGGGGTGGGTG-3'
Protein context (NP_001364959.1, residues 142-162): HRFQVQPKNT[Met152Ile]NPENEQHRLG